The following is an entry in ClinVar:

ClinVar aggregate classification (germline): Uncertain significance. Review status: criteria provided, multiple submitters, no conflicts (2 of 4 stars). 2 submissions from 2 submitters: Uncertain significance (2). Last evaluated 2024-04-24.

Conditions:
Hereditary cancer-predisposing syndrome. Also called: Neoplastic Syndromes, Hereditary; Tumor predisposition; Hereditary Cancer Syndrome; Hereditary neoplastic syndrome. Identifiers: Orphanet 140162, MedGen C0027672, MeSH D009386, MONDO:0015356.
Familial adenomatous polyposis 1 (FAP1). Also called: FAMILIAL ADENOMATOUS POLYPOSIS 1, ATTENUATED; POLYPOSIS, ADENOMATOUS INTESTINAL. Identifiers: MedGen C2713442, MONDO:0021056, OMIM 175100. Disease mechanism: loss of function.

Submissions (2):

Labcorp Genetics (formerly Invitae), Labcorp
Classification: Uncertain significance for Familial adenomatous polyposis 1. Last evaluated: 2024-04-24. Review status: criteria provided, single submitter. Criteria: Invitae Variant Classification Sherloc (09022015). Collection method: clinical testing. Allele origin: germline.
Comment: This sequence change replaces arginine, which is basic and polar, with lysine, which is basic and polar, at codon 128 of the APC protein (p.Arg128Lys). This variant is not present in population databases (gnomAD no frequency). This variant has not been reported in the literature in individuals affected with APC-related conditions. ClinVar contains an entry for this variant (Variation ID: 1735420). Advanced modeling of protein sequence and biophysical properties (such as structural, functional, and spatial information, amino acid conservation, physicochemical variation, residue mobility, and thermodynamic stability) performed at Invitae indicates that this missense variant is not expected to disrupt APC protein function with a negative predictive value of 95%. In summary, the available evidence is currently insufficient to determine the role of this variant in disease. Therefore, it has been classified as a Variant of Uncertain Significance.

Ambry Genetics
Classification: Uncertain significance for Hereditary cancer-predisposing syndrome. Last evaluated: 2023-11-16. Review status: criteria provided, single submitter. Criteria: Ambry Variant Classification Scheme 2023. Collection method: clinical testing. Allele origin: germline.
Comment: The p.R128K variant (also known as c.383G>A), located in coding exon 3 of the APC gene, results from a G to A substitution at nucleotide position 383. The arginine at codon 128 is replaced by lysine, an amino acid with highly similar properties. This amino acid position is highly conserved in available vertebrate species. In addition, in silico predictors for this gene do not accurately predict pathogenicity. Since supporting evidence is limited at this time, the clinical significance of this alteration remains unclear.

NM_000038.6(APC):c.383G>A (p.Arg128Lys)

Gene: APC (APC regulator of Wnt signaling pathway; plus strand). Cytogenetic location: 5q22.2.
Variant type: single nucleotide variant.
Coding change: c.383G>A on transcript NM_000038.6 (MANE Select); coding-DNA position 383, G replaced by A.
Protein change: p.Arg128Lys; replaces arginine 128 with lysine.
Molecular consequence: missense variant. On other transcripts: 5 prime UTR variant (1).
Genome position (GRCh38, 1-based): chr5:112,767,351, G>A. VCF-style: chr5-112767351-G-A. GRCh37 (hg19) VCF-style: chr5-112103048-G-A.
Other names: c.383G>A, p.Arg128Lys (NM_001127510.3, NM_001354895.2, NM_001354896.2 and 16 more transcripts); c.413G>A, p.Arg138Lys (NM_001127511.3, NM_001354897.2, NM_001354902.2 and 1 more transcripts); c.308G>A, p.Arg103Lys (NM_001354898.2, NM_001354904.2, NM_001407451.1); c.206G>A, p.Arg69Lys (NM_001354900.2, NM_001354901.2, NM_001354905.2 and 1 more transcripts); c.-653G>A (NM_001354906.2, NM_001407470.1, NM_001407471.1 and 1 more transcripts); short protein forms R69K, R138K, R103K, R128K.
Identifiers: ClinVar variation 1735420 (VCV001735420.4), dbSNP rs1756470431, ClinGen allele CA16022154.
Genomic context (GRCh38, chr5:112,767,351, plus strand): 5'-GAGAGTGCAGTCCTGTTCCTATGGGTTCATTTCCAAGAAGAGGGTTTGTAAATGGAAGCA[G>A]AGAAAGTACTGGATATTTAGAAGAACTTGAGAAAGAGAGGTAACTTTTCTTCATATAGTA-3'
Protein context (NP_000029.2, residues 118-138): FPRRGFVNGS[Arg128Lys]ESTGYLEELE